The following is an entry in ClinVar:

ClinVar aggregate classification (germline): Benign (1 of 4 stars; one submission).

Allele frequency attached by ClinVar (database versions not stated): 1000 Genomes Project 0.43590; 1000 Genomes Project 30x 0.44300.
gnomAD v4.1: 60,168 of 152,088 alleles (40%); highest among the groups gnomAD compares: African/African-American, 57%; 13,073 homozygotes.

Submission:

GeneDx
Classification: Benign. Last evaluated: 2018-06-14. Review status: criteria provided, single submitter. Criteria: GeneDx Variant Classification (06012015). Collection method: clinical testing. Allele origin: germline. Affected: yes.
Comment: This variant is considered likely benign or benign based on one or more of the following criteria: it is a conservative change, it occurs at a poorly conserved position in the protein, it is predicted to be benign by multiple in silico algorithms, and/or has population frequency not consistent with disease.

NM_001232.4(CASQ2):c.939+256G>C

Gene: CASQ2 (calsequestrin 2; minus strand). Cytogenetic location: 1p13.1.
Variant type: single nucleotide variant.
Coding change: c.939+256G>C on transcript NM_001232.4 (MANE Select); 256 bases into the intron after coding-DNA position 939, G replaced by C.
Molecular consequence: intron variant.
Genome position (GRCh38, 1-based): chr1:115,704,936, C>G on the plus strand (G>C on the coding strand, the complement: CASQ2 is on the minus strand). VCF-style: chr1-115704936-C-G. GRCh37 (hg19) VCF-style: chr1-116247557-C-G.
Identifiers: ClinVar variation 683293 (VCV000683293.1), dbSNP rs3811004, ClinGen allele CA10737368.